The following is an entry in ClinVar:

ClinVar aggregate classification (germline): Uncertain significance (1 of 4 stars; one submission).

Conditions:
Epileptic encephalopathy. Identifiers: MedGen C0543888, HP:0200134.

Submission:

Labcorp Genetics (formerly Invitae), Labcorp
Classification: Uncertain significance for Epileptic encephalopathy. Last evaluated: 2022-08-19. Review status: criteria provided, single submitter. Criteria: Invitae Variant Classification Sherloc (09022015). Collection method: clinical testing. Allele origin: germline.
Comment: This variant has not been reported in the literature in individuals affected with FASN-related conditions. This sequence change replaces tryptophan, which is neutral and slightly polar, with leucine, which is neutral and non-polar, at codon 1640 of the FASN protein (p.Trp1640Leu). This variant also falls at the last nucleotide of exon 28, which is part of the consensus splice site for this exon. This variant is not present in population databases (gnomAD no frequency). Algorithms developed to predict the effect of missense changes on protein structure and function (SIFT, PolyPhen-2, Align-GVGD) all suggest that this variant is likely to be disruptive. Variants that disrupt the consensus splice site are a relatively common cause of aberrant splicing (PMID: 17576681, 9536098). In summary, the available evidence is currently insufficient to determine the role of this variant in disease. Therefore, it has been classified as a Variant of Uncertain Significance.

Literature cited by the submitters: PubMed 17576681; PubMed 9536098.

NM_004104.5(FASN):c.4919G>T (p.Trp1640Leu)

Gene: FASN (fatty acid synthase; minus strand). Cytogenetic location: 17q25.3.
Variant type: single nucleotide variant.
Coding change: c.4919G>T on transcript NM_004104.5 (MANE Select); coding-DNA position 4919, G replaced by T.
Protein change: p.Trp1640Leu; replaces tryptophan 1640 with leucine.
Molecular consequence: missense variant.
Genome position (GRCh38, 1-based): chr17:82,084,234, C>A on the plus strand (G>T on the coding strand, the complement: FASN is on the minus strand). VCF-style: chr17-82084234-C-A. GRCh37 (hg19) VCF-style: chr17-80042110-C-A.
Other names: short protein forms W1640L.
Identifiers: ClinVar variation 1932494 (VCV001932494.5), dbSNP rs2509832891, ClinGen allele CA401543006.